The following is an entry in ClinVar:

NM_001267550.2(TTN):c.11311+1243A>T

Gene: TTN (titin; minus strand). Cytogenetic location: 2q31.2.
Variant type: single nucleotide variant.
Coding change: c.11311+1243A>T on transcript NM_001267550.2 (MANE Select); 1243 bases into the intron after coding-DNA position 11311, A replaced by T.
Molecular consequence: intron variant. On other transcripts: missense variant (1).
Genome position (GRCh38, 1-based): chr2:178,751,881, T>A on the plus strand (A>T on the coding strand, the complement: TTN is on the minus strand). VCF-style: chr2-178751881-T-A. GRCh37 (hg19) VCF-style: chr2-179616608-T-A.
Other names: c.10519A>T, p.Thr3507Ser (NM_133379.5); c.10222+1243A>T (NM_003319.4); c.10798+1243A>T (NM_133437.4); c.10597+1243A>T (NM_133432.3); c.10360+1243A>T (NM_133378.4, NM_001256850.1); short protein forms T3507S.
Identifiers: ClinVar variation 5000575 (VCV005000575.1).

ClinVar aggregate classification (germline): Uncertain significance (1 of 4 stars; one submission).

Conditions:
TTN-related disorder. Also called: TTN-related disorders; TTN-related condition; TTN-related disease.

Submission:

PreventionGenetics, part of Exact Sciences
Classification: Uncertain significance for TTN-related condition. Last evaluated: 2025-06-18. Review status: criteria provided, single submitter. Criteria: ACMG Guidelines, 2015. Collection method: clinical testing. Allele origin: germline.
Comment: The TTN c.10519A>T variant is predicted to result in the amino acid substitution p.Thr3507Ser. This variant is only located within an exon utilizing the transcript NM_133379 and is intronic in the other TTN transcripts, for example it is referred to as c.11311+1243A>T (Intronic) via NM_001267550.2. To our knowledge, this variant has not been reported in the literature or in a large population database, indicating this variant is rare. At this time, the clinical significance of this variant is uncertain due to the absence of conclusive functional and genetic evidence.